The following is an entry in ClinVar:

ClinVar aggregate classification (germline): Likely benign (1 of 4 stars; one submission).

gnomAD v4.1: 1 of 1,550,168 alleles (0.000065%); highest among the groups gnomAD compares: Non-Finnish European, 0.000087%; no homozygotes.

Submission:

Mayo Clinic Laboratories, Mayo Clinic
Classification: Likely benign. Last evaluated: 2025-09-10. Review status: criteria provided, single submitter. Criteria: ACMG Guidelines, 2015. Collection method: clinical testing. Allele origin: germline. Observed: 1 variant allele.
Comment: BP4

NM_001142864.4(PIEZO1):c.1997+7C>T

Genes: HSALR1 (HSP90AB1 associated lncRNA 1; plus strand), PIEZO1 (piezo type mechanosensitive ion channel component 1 (Er blood group); minus strand). Cytogenetic location: 16q24.3.
Variant type: single nucleotide variant.
Coding change: c.1997+7C>T on transcript NM_001142864.4 (MANE Select); 7 bases into the intron after coding-DNA position 1997, C replaced by T.
Molecular consequence: intron variant.
Genome position (GRCh38, 1-based): chr16:88,734,643, G>A on the plus strand (C>T on the coding strand, the complement: PIEZO1 is on the minus strand). VCF-style: chr16-88734643-G-A. GRCh37 (hg19) VCF-style: chr16-88801051-G-A.
Other names: p.?.
Identifiers: ClinVar variation 4684148 (VCV004684148.1).